The following is an entry in ClinVar:

ClinVar aggregate classification (germline): Pathogenic (1 of 4 stars; one submission).

Submission:

Labcorp Genetics (formerly Invitae), Labcorp
Classification: Pathogenic. Last evaluated: 2023-09-12. Review status: criteria provided, single submitter. Criteria: Invitae Variant Classification Sherloc (09022015). Collection method: clinical testing. Allele origin: germline.
Comment: For these reasons, this variant has been classified as Pathogenic. This variant disrupts a region of the TGM1 protein in which other variant(s) (p.Gly291Asp) have been determined to be pathogenic (PMID: 19241467, 19863506, 27025581, 28403434). This suggests that this is a clinically significant region of the protein, and that variants that disrupt it are likely to be disease-causing. This variant has not been reported in the literature in individuals affected with TGM1-related conditions. This variant is not present in population databases (gnomAD no frequency). This variant, c.847_876del, results in the deletion of 10 amino acid(s) of the TGM1 protein (p.Ile283_Gln292del), but otherwise preserves the integrity of the reading frame.

Literature cited by the submitters: PubMed 19241467; PubMed 19863506; PubMed 27025581; PubMed 28403434.

NM_000359.3(TGM1):c.847_876del (p.Ile283_Gln292del)

Gene: TGM1 (transglutaminase 1; minus strand). Cytogenetic location: 14q12.
Variant type: Deletion.
Coding change: c.847_876del on transcript NM_000359.3 (MANE Select); coding-DNA positions 847 to 876, 30 bases deleted (ATTGGTGAGCGGACCTGGAACTACGGCCAG).
Protein change: p.Ile283_Gln292del.
Molecular consequence: inframe deletion.
Genome position (GRCh38, 1-based): chr14:24,259,940-24,259,969, CTGGCCGTAGTTCCAGGTCCGCTCACCAAT deleted on the plus strand (ATTGGTGAGCGGACCTGGAACTACGGCCAG on the coding strand, the reverse complement: TGM1 is on the minus strand); deleting any 30 consecutive bases within chr14:24,259,940-24,259,972 gives the same sequence; the c. name uses the placement nearest the transcript's 3' end. VCF-style (leftmost placement, unchanged base first): chr14-24259939-CCTGGCCGTAGTTCCAGGTCCGCTCACCAAT-C. GRCh37 (hg19) VCF-style: chr14-24729145-CCTGGCCGTAGTTCCAGGTCCGCTCACCAAT-C.
Identifiers: ClinVar variation 2760338 (VCV002760338.3), dbSNP rs2502503984, ClinGen allele CA2697553896.